The following continues an entry in ClinVar:

NM_000552.5(VWF):c.3614G>A (p.Arg1205His)

Gene: VWF. ClinVar aggregate classification (germline): Pathogenic. Pathogenic (9).

Submissions 10 to 15 of 15:

PreventionGenetics, part of Exact Sciences
Classification: Pathogenic for VWF-related condition. Last evaluated: 2023-10-31. Review status: no assertion criteria provided. Collection method: clinical testing. Allele origin: germline. Not counted in ClinVar's aggregate classification.
Comment: The VWF c.3614G>A variant is predicted to result in the amino acid substitution p.Arg1205His. This variant has been reported to be causative for VWD type 2M Vicenza and Type 1 in the de novo or heterozygous states in several patients (Schneppenheim et al. 2000. PubMed ID: 10669167; Goodeve et al. 2007. PubMed ID: 16985174; Ahmad et al. 2014. PubMed ID: 24712919; Veyradier et al. 2016. PubMed ID: 26986123). Functional studies of the p.Arg1205His substitution suggest disease is caused by accelerated VWF clearance and reduction in VWF antigen (Pruss et al. 2011. PubMed ID: 21346256). This variant has not been reported in a large population database, indicating this variant is rare. This variant is interpreted as pathogenic.

OMIM
Classification: Pathogenic for VON WILLEBRAND DISEASE, TYPE 1. Last evaluated: 2006-11-01. Review status: no assertion criteria provided. Collection method: literature only. Allele origin: germline. Not counted in ClinVar's aggregate classification.

OMIM
Classification: Pathogenic for VON WILLEBRAND FACTOR VICENZA. Last evaluated: 2006-11-01. Review status: no assertion criteria provided. Collection method: literature only. Allele origin: germline. Not counted in ClinVar's aggregate classification.

Academic Unit of Haematology, University of Sheffield
No classification provided. Review status: no classification provided. Collection method: not provided. Allele origin: not provided. Not counted in ClinVar's aggregate classification.

GeneReviews
No classification provided. Condition: von Willebrand disorder. Review status: no classification provided. Collection method: literature only. Allele origin: germline. Not counted in ClinVar's aggregate classification.

NIHR Bioresource Rare Diseases, University of Cambridge
Classification: Pathogenic for Reduced von Willebrand factor activity; Reduced quantity of Von Willebrand factor. Review status: no assertion criteria provided. Collection method: research. Allele origin: unknown. Affected: yes. Observed: 1 variant allele. Not counted in ClinVar's aggregate classification.

Literature cited by the submitters: PubMed 10669167 (cited by 3billion and OMIM); PubMed 21711445 (cited by 3billion and Women's Health and Genetics/Laboratory Corporation of America, LabCorp); PubMed 16321553 (cited by 3billion); PubMed 30349898 (cited by 3billion and Women's Health and Genetics/Laboratory Corporation of America, LabCorp); PubMed 14613933 (cited by Quest Diagnostics Nichols Institute San Juan Capistrano); PubMed 16925796 (cited by Quest Diagnostics Nichols Institute San Juan Capistrano and OMIM); PubMed 16870550 (cited by Quest Diagnostics Nichols Institute San Juan Capistrano); PubMed 31064749 (cited by Quest Diagnostics Nichols Institute San Juan Capistrano and NIHR Bioresource Rare Diseases, University of Cambridge); PubMed 32581362 (cited by Quest Diagnostics Nichols Institute San Juan Capistrano and NIHR Bioresource Rare Diseases, University of Cambridge); PubMed 33556167 (cited by Quest Diagnostics Nichols Institute San Juan Capistrano); PubMed 9253800 (cited by Quest Diagnostics Nichols Institute San Juan Capistrano and OMIM); PubMed 11756169 (cited by Quest Diagnostics Nichols Institute San Juan Capistrano and OMIM); PubMed 17080221 (cited by Quest Diagnostics Nichols Institute San Juan Capistrano and OMIM); PubMed 16889557 (cited by Quest Diagnostics Nichols Institute San Juan Capistrano and OMIM); PubMed 17190853 (cited by Quest Diagnostics Nichols Institute San Juan Capistrano); PubMed 18230755 (cited by Quest Diagnostics Nichols Institute San Juan Capistrano); PubMed 21346256 (cited by Quest Diagnostics Nichols Institute San Juan Capistrano); PubMed 3257148 (cited by OMIM); PubMed 8456430 (cited by OMIM); PubMed 12043692 (cited by OMIM); NCBI Bookshelf NBK7014 (cited by GeneReviews).